The following is an entry in ClinVar:

NM_004444.5(EPHB4):c.1756+1G>A

Gene: EPHB4 (EPH receptor B4; minus strand). Cytogenetic location: 7q22.1.
Variant type: single nucleotide variant.
Coding change: c.1756+1G>A on transcript NM_004444.5 (MANE Select); the canonical splice donor site of the intron after coding-DNA position 1756, G replaced by A.
Molecular consequence: splice donor variant.
Genome position (GRCh38, 1-based): chr7:100,813,651, C>T on the plus strand (G>A on the coding strand, the complement: EPHB4 is on the minus strand). VCF-style: chr7-100813651-C-T. GRCh37 (hg19) VCF-style: chr7-100411273-C-T.
Identifiers: ClinVar variation 4723144 (VCV004723144.1).

ClinVar aggregate classification (germline): Likely pathogenic (1 of 4 stars; one submission).

Submission:

Labcorp Genetics (formerly Invitae), Labcorp
Classification: Likely pathogenic. Last evaluated: 2025-07-23. Review status: criteria provided, single submitter. Criteria: Invitae Variant Classification Sherloc (09022015). Collection method: clinical testing. Allele origin: germline.
Comment: This sequence change affects a donor splice site in intron 10 of the EPHB4 gene. It is expected to disrupt RNA splicing. Variants that disrupt the donor or acceptor splice site typically lead to a loss of protein function (PMID: 16199547), and loss-of-function variants in EPHB4 are known to be pathogenic (PMID: 28687708). This variant is not present in population databases (gnomAD no frequency). This variant has not been reported in the literature in individuals affected with EPHB4-related conditions. Algorithms developed to predict the effect of sequence changes on RNA splicing suggest that this variant may disrupt the consensus splice site. In summary, the currently available evidence indicates that the variant is pathogenic, but additional data are needed to prove that conclusively. Therefore, this variant has been classified as Likely Pathogenic.

Literature cited by the submitters: PubMed 16199547; PubMed 28687708.